The following is an entry in ClinVar:

NM_001242896.3(DEPDC5):c.1754A>G (p.His585Arg)

Gene: DEPDC5 (DEP domain containing 5, GATOR1 subcomplex subunit; plus strand). Cytogenetic location: 22q12.3.
Variant type: single nucleotide variant.
Coding change: c.1754A>G on transcript NM_001242896.3 (MANE Select); coding-DNA position 1754, A replaced by G.
Protein change: p.His585Arg; replaces histidine 585 with arginine.
Molecular consequence: missense variant. On other transcripts: non-coding transcript variant (5).
Genome position (GRCh38, 1-based): chr22:31,819,109, A>G. VCF-style: chr22-31819109-A-G. GRCh37 (hg19) VCF-style: chr22-32215095-A-G.
Other names: c.1754A>G, p.His585Arg (NM_001136029.4, NM_001242897.2, NM_001363852.2 and 6 more transcripts); c.1670A>G, p.His557Arg (NM_001369901.1, NM_001369902.1); short protein forms H557R, H585R.
Identifiers: ClinVar variation 2428905 (VCV002428905.3), dbSNP rs1400872067, ClinGen allele CA411280664.

ClinVar aggregate classification (germline): Uncertain significance (1 of 4 stars; one submission).

Allele frequency attached by ClinVar (database versions not stated): gnomAD exomes below 0.00001; TOPMed below 0.00001; gnomAD 0.00001.
gnomAD v4.1: 3 of 1,614,074 alleles (0.00019%); highest among the groups gnomAD compares: Non-Finnish European, 0.00025%; no homozygotes.

Submission:

GeneDx
Classification: Uncertain significance. Last evaluated: 2022-08-02. Review status: criteria provided, single submitter. Criteria: GeneDx Variant Classification Process June 2021. Collection method: clinical testing. Allele origin: germline. Affected: yes.
Comment: Not observed at significant frequency in large population cohorts (gnomAD); In silico analysis supports that this missense variant has a deleterious effect on protein structure/function; Has not been previously published as pathogenic or benign to our knowledge